The following is an entry in ClinVar:

ClinVar aggregate classification (germline): Uncertain significance (1 of 4 stars; one submission).

Allele frequency attached by ClinVar (database versions not stated): gnomAD exomes below 0.00001; gnomAD 0.00001; TOPMed 0.00001.
gnomAD v4.1: 6 of 1,613,664 alleles (0.00037%); highest among the groups gnomAD compares: African/African-American, 0.0013%; no homozygotes.

Submission:

Labcorp Genetics (formerly Invitae), Labcorp
Classification: Uncertain significance. Last evaluated: 2021-09-01. Review status: criteria provided, single submitter. Criteria: Invitae Variant Classification Sherloc (09022015). Collection method: clinical testing. Allele origin: germline.
Comment: This sequence change replaces glycine with glutamic acid at codon 385 of the RTN4IP1 protein (p.Gly385Glu). The glycine residue is highly conserved and there is a moderate physicochemical difference between glycine and glutamic acid. This variant is not present in population databases (ExAC no frequency). This variant has not been reported in the literature in individuals affected with RTN4IP1-related conditions. Algorithms developed to predict the effect of missense changes on protein structure and function are either unavailable or do not agree on the potential impact of this missense change (SIFT: "Tolerated"; PolyPhen-2: "Probably Damaging"; Align-GVGD: "Class C0"). In summary, the available evidence is currently insufficient to determine the role of this variant in disease. Therefore, it has been classified as a Variant of Uncertain Significance.

NM_032730.5(RTN4IP1):c.1154G>A (p.Gly385Glu)

Gene: RTN4IP1 (reticulon 4 interacting protein 1; minus strand). Cytogenetic location: 6q21.
Variant type: single nucleotide variant.
Coding change: c.1154G>A on transcript NM_032730.5 (MANE Select); coding-DNA position 1154, G replaced by A.
Protein change: p.Gly385Glu; replaces glycine 385 with glutamic acid.
Molecular consequence: missense variant.
Genome position (GRCh38, 1-based): chr6:106,572,033, C>T on the plus strand (G>A on the coding strand, the complement: RTN4IP1 is on the minus strand). VCF-style: chr6-106572033-C-T. GRCh37 (hg19) VCF-style: chr6-107019908-C-T.
Other names: c.854G>A, p.Gly285Glu (NM_001318746.1); short protein forms G285E, G385E.
Identifiers: ClinVar variation 966267 (VCV000966267.7), dbSNP rs765484759, ClinGen allele CA144995699.